The following is an entry in ClinVar:

NM_001017979.3(RAB28):c.299G>A (p.Ser100Asn)

Gene: RAB28 (RAB28, member RAS oncogene family; minus strand). Cytogenetic location: 4p15.33.
Variant type: single nucleotide variant.
Coding change: c.299G>A on transcript NM_001017979.3 (MANE Select); coding-DNA position 299, G replaced by A.
Protein change: p.Ser100Asn; replaces serine 100 with asparagine.
Molecular consequence: missense variant.
Genome position (GRCh38, 1-based): chr4:13,460,791, C>T on the plus strand (G>A on the coding strand, the complement: RAB28 is on the minus strand). VCF-style: chr4-13460791-C-T. GRCh37 (hg19) VCF-style: chr4-13462415-C-T.
Other names: NP_001017979.1:p.(Ser100Asn); c.299G>A, p.Ser100Asn (NM_001159601.2, NM_004249.4); short protein forms S100N.
Identifiers: ClinVar variation 1425324 (VCV001425324.7), dbSNP rs1715552187, ClinGen allele CA356373905.
Genomic context (GRCh38, chr4:13,460,791, plus strand): 5'-GTTTCTGACTCCTCGCTCACTTTCTTCACCACAGTATACCAATCTTCTAAATTCTCAAAG[C>T]TTTGATAATTTGTAATATCATATACCAAGAGGACTCCCTGTCACAAAAGAGTTACAAAAT-3'
Protein context (NP_001017979.1, residues 90-110): LLVYDITNYQ[Ser100Asn]FENLEDWYTV

ClinVar aggregate classification (germline): Conflicting classifications of pathogenicity. Review status: criteria provided, conflicting classifications (1 of 4 stars). 2 submissions from 2 submitters: Likely pathogenic (1); Uncertain significance (1). Last evaluated 2024-08-12.

Conditions:
Cone-rod dystrophy. Also called: Cone/cone-rod dystrophy; Cone-rod degeneration. Identifiers: Orphanet 1872, MedGen C4085590, MONDO:0015993, HP:0000548.

Allele frequency attached by ClinVar (database versions not stated): gnomAD exomes below 0.00001.
gnomAD v4.1: 2 of 1,613,700 alleles (0.00012%); highest among the groups gnomAD compares: Non-Finnish European, 0.00017%; no homozygotes.

Submissions (2):

Labcorp Genetics (formerly Invitae), Labcorp
Classification: Uncertain significance. Last evaluated: 2024-08-12. Review status: criteria provided, single submitter. Criteria: Invitae Variant Classification Sherloc (09022015). Collection method: clinical testing. Allele origin: germline.
Comment: This sequence change replaces serine, which is neutral and polar, with asparagine, which is neutral and polar, at codon 100 of the RAB28 protein (p.Ser100Asn). This variant is not present in population databases (gnomAD no frequency). This missense change has been observed in individual(s) with cone-rod dystrophy (PMID: 36909829). ClinVar contains an entry for this variant (Variation ID: 1425324). An algorithm developed to predict the effect of missense changes on protein structure and function (PolyPhen-2) suggests that this variant is likely to be disruptive. In summary, the available evidence is currently insufficient to determine the role of this variant in disease. Therefore, it has been classified as a Variant of Uncertain Significance.

Ophthalmic Genetics Group, Institute of Molecular and Clinical Ophthalmology Basel
Classification: Likely pathogenic for Cone-rod dystrophy. Last evaluated: 2023-07-24. Review status: criteria provided, single submitter. Criteria: ACMG Guidelines, 2015. Collection method: research. Allele origin: germline. Affected: yes. Observed: 1 variant allele.
Comment: Clinical significance based on ACMG v2.0

This variant was classified as Likely pathogenic based on ACMG criteria: PM2, PP3.

Literature cited by the submitters: PubMed 36909829 (cited by Labcorp Genetics (formerly Invitae), Labcorp and Ophthalmic Genetics Group, Institute of Molecular and Clinical Ophthalmology Basel).